The following is an entry in ClinVar:

NM_006904.7(PRKDC):c.7507A>G (p.Lys2503Glu)

Gene: PRKDC (protein kinase, DNA-activated, catalytic subunit; minus strand). Cytogenetic location: 8q11.21.
Variant type: single nucleotide variant.
Coding change: c.7507A>G on transcript NM_006904.7 (MANE Select); coding-DNA position 7507, A replaced by G.
Protein change: p.Lys2503Glu; replaces lysine 2503 with glutamic acid.
Molecular consequence: missense variant.
Genome position (GRCh38, 1-based): chr8:47,839,194, T>C on the plus strand (A>G on the coding strand, the complement: PRKDC is on the minus strand). VCF-style: chr8-47839194-T-C. GRCh37 (hg19) VCF-style: chr8-48751755-T-C.
Other names: c.7507A>G, p.Lys2503Glu (NM_001081640.2); short protein forms K2503E.
Identifiers: ClinVar variation 3310099 (VCV003310099.1).

ClinVar aggregate classification (germline): Uncertain significance (1 of 4 stars; one submission).

Submission:

Ambry Genetics
Classification: Uncertain significance. Last evaluated: 2024-03-29. Review status: criteria provided, single submitter. Criteria: Ambry Variant Classification Scheme 2023. Collection method: clinical testing. Allele origin: germline.
Comment: The p.K2503E variant (also known as c.7507A>G), located in coding exon 56 of the PRKDC gene, results from an A to G substitution at nucleotide position 7507. The lysine at codon 2503 is replaced by glutamic acid, an amino acid with similar properties. This amino acid position is conserved. In addition, this alteration is predicted to be tolerated by in silico analysis. Based on the available evidence, the clinical significance of this alteration remains unclear.